The following is an entry in ClinVar:

NM_152564.5(VPS13B):c.112A>T (p.Ser38Cys)

Gene: VPS13B (vacuolar protein sorting 13 homolog B; plus strand). Cytogenetic location: 8q22.2.
Variant type: single nucleotide variant.
Coding change: c.112A>T on transcript NM_152564.5 (MANE Select); coding-DNA position 112, A replaced by T.
Protein change: p.Ser38Cys; replaces serine 38 with cysteine.
Molecular consequence: missense variant. On other transcripts: non-coding transcript variant (1).
Genome position (GRCh38, 1-based): chr8:99,013,900, A>T. VCF-style: chr8-99013900-A-T. GRCh37 (hg19) VCF-style: chr8-100026128-A-T.
Other names: c.112A>T, p.Ser38Cys (NM_015243.3, NM_017890.5, NM_181661.3); short protein forms S38C.
Identifiers: ClinVar variation 1392189 (VCV001392189.6), dbSNP rs2132125588, ClinGen allele CA371856408.

ClinVar aggregate classification (germline): Uncertain significance (1 of 4 stars; one submission).

Conditions:
Cohen syndrome (COH1). Also called: PEPPER SYNDROME; Cutis verticis gyrata, retinitis pigmentosa, and sensorineural deafness. Identifiers: Orphanet 193, MedGen C0265223, MONDO:0008999, OMIM 216550.

Submission:

Labcorp Genetics (formerly Invitae), Labcorp
Classification: Uncertain significance for Cohen syndrome. Last evaluated: 2024-10-26. Review status: criteria provided, single submitter. Criteria: Invitae Variant Classification Sherloc (09022015). Collection method: clinical testing. Allele origin: germline.
Comment: This sequence change replaces serine, which is neutral and polar, with cysteine, which is neutral and slightly polar, at codon 38 of the VPS13B protein (p.Ser38Cys). This variant is not present in population databases (gnomAD no frequency). This variant has not been reported in the literature in individuals affected with VPS13B-related conditions. ClinVar contains an entry for this variant (Variation ID: 1392189). Invitae Evidence Modeling of protein sequence and biophysical properties (such as structural, functional, and spatial information, amino acid conservation, physicochemical variation, residue mobility, and thermodynamic stability) indicates that this missense variant is expected to disrupt VPS13B protein function with a positive predictive value of 80%. In summary, the available evidence is currently insufficient to determine the role of this variant in disease. Therefore, it has been classified as a Variant of Uncertain Significance.